The following is an entry in ClinVar:

ClinVar aggregate classification (germline): Uncertain significance (1 of 4 stars; one submission).

Conditions:
Renal cell carcinoma. Identifiers: Orphanet 217071, MedGen C0007134, MeSH D002292, MONDO:0005086, HP:0005584.

Submission:

Labcorp Genetics (formerly Invitae), Labcorp
Classification: Uncertain significance for Renal cell carcinoma. Last evaluated: 2023-08-18. Review status: criteria provided, single submitter. Criteria: Invitae Variant Classification Sherloc (09022015). Collection method: clinical testing. Allele origin: germline.
Comment: In summary, the available evidence is currently insufficient to determine the role of this variant in disease. Therefore, it has been classified as a Variant of Uncertain Significance. Advanced modeling of protein sequence and biophysical properties (such as structural, functional, and spatial information, amino acid conservation, physicochemical variation, residue mobility, and thermodynamic stability) performed at Invitae indicates that this missense variant is not expected to disrupt MET protein function. This variant has not been reported in the literature in individuals affected with MET-related conditions. This variant is not present in population databases (gnomAD no frequency). This sequence change replaces glutamic acid, which is acidic and polar, with valine, which is neutral and non-polar, at codon 28 of the MET protein (p.Glu28Val).

NM_000245.4(MET):c.83A>T (p.Glu28Val)

Gene: MET (MET proto-oncogene, receptor tyrosine kinase; plus strand). Cytogenetic location: 7q31.2.
Variant type: single nucleotide variant.
Coding change: c.83A>T on transcript NM_000245.4 (MANE Select); coding-DNA position 83, A replaced by T.
Protein change: p.Glu28Val; replaces glutamic acid 28 with valine.
Molecular consequence: missense variant. On other transcripts: intron variant (1).
Genome position (GRCh38, 1-based): chr7:116,699,167, A>T. VCF-style: chr7-116699167-A-T. GRCh37 (hg19) VCF-style: chr7-116339221-A-T.
Other names: c.83A>T, p.Glu28Val (NM_001127500.3, NM_001324401.3); c.-91+26590A>T (NM_001324402.2); short protein forms E28V.
Identifiers: ClinVar variation 2753653 (VCV002753653.3), dbSNP rs2116579734, ClinGen allele CA368968306.